The following is an entry in ClinVar:

NM_030958.3(SLCO5A1):c.139C>G (p.Arg47Gly)

Gene: SLCO5A1 (solute carrier organic anion transporter family member 5A1; minus strand). Cytogenetic location: 8q13.3.
Variant type: single nucleotide variant.
Coding change: c.139C>G on transcript NM_030958.3 (MANE Select); coding-DNA position 139, C replaced by G.
Protein change: p.Arg47Gly; replaces arginine 47 with glycine.
Molecular consequence: missense variant.
Genome position (GRCh38, 1-based): chr8:69,832,535, G>C on the plus strand (C>G on the coding strand, the complement: SLCO5A1 is on the minus strand). VCF-style: chr8-69832535-G-C. GRCh37 (hg19) VCF-style: chr8-70744770-G-C.
Other names: c.139C>G, p.Arg47Gly (NM_001146008.2, NM_001146009.1); short protein forms R47G.
Identifiers: ClinVar variation 4701704 (VCV004701704.1).

ClinVar aggregate classification (germline): Uncertain significance (1 of 4 stars; one submission).

gnomAD v4.1: 1 of 1,607,678 alleles (0.000062%); highest among the groups gnomAD compares: Non-Finnish European, 0.000085%; no homozygotes.

Submission:

Labcorp Genetics (formerly Invitae), Labcorp
Classification: Uncertain significance. Last evaluated: 2025-09-03. Review status: criteria provided, single submitter. Criteria: Invitae Variant Classification Sherloc (09022015). Collection method: clinical testing. Allele origin: germline.
Comment: This sequence change replaces arginine, which is basic and polar, with glycine, which is neutral and non-polar, at codon 47 of the SLCO5A1 protein (p.Arg47Gly). This variant is not present in population databases (gnomAD no frequency). This variant has not been reported in the literature in individuals affected with SLCO5A1-related conditions. An algorithm developed to predict the effect of missense changes on protein structure and function outputs the following: PolyPhen-2: "Benign". The glycine amino acid residue is found in multiple mammalian species, which suggests that this missense change does not adversely affect protein function. In summary, the available evidence is currently insufficient to determine the role of this variant in disease. Therefore, it has been classified as a Variant of Uncertain Significance.